The following is an entry in ClinVar:

ClinVar aggregate classification (germline): Uncertain significance. Review status: criteria provided, multiple submitters, no conflicts (2 of 4 stars). 2 submissions from 2 submitters: Uncertain significance (2). Last evaluated 2024-08-13.

Conditions:
Pierpont syndrome (PRPTS). Identifiers: Orphanet 487825, MedGen C1865644, MONDO:0011213, OMIM 602342.

Submissions (2):

Labcorp Genetics (formerly Invitae), Labcorp
Classification: Uncertain significance for Pierpont syndrome. Last evaluated: 2024-08-13. Review status: criteria provided, single submitter. Criteria: Invitae Variant Classification Sherloc (09022015). Collection method: clinical testing. Allele origin: germline.
Comment: This variant, c.333_350del, results in the deletion of 6 amino acid(s) of the TBL1XR1 protein (p.Ala113_Ala118del), but otherwise preserves the integrity of the reading frame. This variant is not present in population databases (gnomAD no frequency). This variant has been observed in individual(s) with TBLXR1-related conditions (PMID: 31618753). In at least one individual the variant was observed to be de novo. ClinVar contains an entry for this variant (Variation ID: 504096). Experimental studies and prediction algorithms are not available or were not evaluated, and the functional significance of this variant is currently unknown. In summary, the available evidence is currently insufficient to determine the role of this variant in disease. Therefore, it has been classified as a Variant of Uncertain Significance.

GeneDx
Classification: Uncertain significance. Last evaluated: 2020-10-12. Review status: criteria provided, single submitter. Criteria: GeneDx Variant Classification Process June 2021. Collection method: clinical testing. Allele origin: germline. Affected: yes.
Comment: Not observed in large population cohorts (Lek et al., 2016); In silico analysis supports a deleterious effect on protein structure/function; In-frame deletion in a repetitive region with no known function; Has not been previously published as pathogenic or benign to our knowledge; This variant is associated with the following publications: (PMID: 31618753)

Literature cited by the submitters: PubMed 31618753 (cited by Labcorp Genetics (formerly Invitae), Labcorp).

NM_024665.7(TBL1XR1):c.333_350del (p.Ala113_Ala118del)

Gene: TBL1XR1 (TBL1X/Y related 1; minus strand). Cytogenetic location: 3q26.32.
Variant type: Deletion.
Coding change: c.333_350del on transcript NM_024665.7 (MANE Select); coding-DNA positions 333 to 350, 18 bases deleted (TGCAGCTGCCGCAGCTGC).
Protein change: p.Ala113_Ala118del.
Molecular consequence: inframe deletion.
Genome position (GRCh38, 1-based): chr3:177,051,581-177,051,598, GCAGCTGCGGCAGCTGCA deleted on the plus strand (TGCAGCTGCCGCAGCTGC on the coding strand, the reverse complement: TBL1XR1 is on the minus strand); deleting any 18 consecutive bases within chr3:177,051,581-177,051,606 gives the same sequence; the c. name uses the placement nearest the transcript's 3' end. VCF-style (leftmost placement, unchanged base first): chr3-177051580-TGCAGCTGCGGCAGCTGCA-T. GRCh37 (hg19) VCF-style: chr3-176769368-TGCAGCTGCGGCAGCTGCA-T.
Other names: c.333_350del18 (NM_024665.4); c.333_350del, p.Ala113_Ala118del (NM_001321193.3, NM_001321194.3, NM_001374327.1 and 2 more transcripts); c.72_89del, p.Ala26_Ala31del (NM_001321195.3, NM_001374330.1).
Identifiers: ClinVar variation 504096 (VCV000504096.7), dbSNP rs1462665726, ClinGen allele CA658796395.